The following is an entry in ClinVar:

NM_175914.5(HNF4A):c.-181G>C

Gene: HNF4A (hepatocyte nuclear factor 4 alpha; plus strand). Cytogenetic location: 20q13.12.
Variant type: single nucleotide variant.
Coding change: c.-181G>C on transcript NM_175914.5 (MANE Select); 181 bases upstream of the start codon, G replaced by C.
Genome position (GRCh38, 1-based): chr20:44,355,624, G>C. VCF-style: chr20-44355624-G-C. GRCh37 (hg19) VCF-style: chr20-42984264-G-C.
Identifiers: ClinVar variation 1299755 (VCV001299755.2), dbSNP rs2146126966, ClinGen allele CA2499225755.

ClinVar aggregate classification (germline): Uncertain significance. Review status: reviewed by expert panel (3 of 4 stars). 2 submissions from 2 submitters: Uncertain significance (1). 1 of the submissions does not count toward it. Last evaluated 2025-10-13.

Conditions:
Monogenic diabetes. Identifiers: Orphanet 183625, MedGen C3888631, MONDO:0015967.
Maturity-onset diabetes of the young type 1. Also called: MODY, type I; MODY type 1; Diabetes mellitus MODY type 1; MODY HNF4A related; HNF4A-Related Maturity-Onset Diabetes of the Young Type 1; MILD JUVENILE DIABETES MELLITUS. Identifiers: Orphanet 552, MedGen C1852093, MONDO:0007452, OMIM 125850. Disease mechanism: loss of function.

Submissions (2):

ClinGen Monogenic Diabetes Variant Curation Expert Panel
Classification: Uncertain significance for Monogenic diabetes. Last evaluated: 2025-10-13. Review status: reviewed by expert panel. Criteria: ClinGen Diabetes ACMG Specifications HNF4A V4.0.0. Collection method: curation. Allele origin: germline. Inheritance: Autosomal dominant inheritance.
Comment: The c.-181G>C p.(?) variant in the hepatocyte nuclear factor 4-alpha gene, HNF4A, is located within the promoter region of NM_175914.5. This variant is located within the HNF1A/HNF1B binding region (c.-170 to c.-173 and c.-178 to c.-181) of the P2 promoter of HNF4A, which is defined as critical for the protein’s function by the ClinGen MDEP (PM1). This variant is absent from gnomAD v2.1.1 and v4.1.0 (PM2_Supporting). This variant was identified in an individual with a clinical history highly specific for HNF4A-monogenic diabetes (MODY probability calculator result >50%, negative genetic testing for HNF1A) (PP4; internal lab contributors). In summary, c.-181G>C meets the criteria to be classified as a variant of uncertain significance for monogenic diabetes. ACMG/AMP criteria applied, as specified by the ClinGen MDEP VCEP (specification version 4.0.0, approved 10/10/2025): PP4, PM1, PM2_Supporting.

Exeter Genomics Laboratory, Royal Devon University Healthcare NHS Foundation Trust
Classification: Pathogenic for Maturity-onset diabetes of the young type 1. Last evaluated: 2021-10-05. Review status: criteria provided, single submitter. Criteria: ACMG Guidelines, 2015. Collection method: clinical testing. Allele origin: germline. Inheritance: Autosomal dominant inheritance. Affected: yes. Observed: 1 variant allele, 1 heterozygote. Not counted in ClinVar's aggregate classification.
Comment: The c.-181G>C variant in the HNF4 homeobox A gene, HNF4A, is a single nucleotide variant within the promoter of the pancreatic specific HNF4A isoform NM_175914.5. This variant is located within the HNF1A/HNF1B binding site of the promoter (c.-169 to -181) of HNF4A, which is defined as critical for protein function by the ClinGen MDEP (PM1_Supporting). A different pathogenic nucleotide change at this nucleotide position has been identified by this laboratory (c.181G>A) (PS1_Supporting). Taken together, this evidence supports the classification of this variant as pathogenic for monogenic diabetes. ACMG/AMP criteria applied: PS4_Moderate, PS1_Supporting, PM1_Supporting, PM2_Supporting.